The following is an entry in ClinVar:

NM_000338.3(SLC12A1):c.3283T>G (p.Leu1095Val)

Gene: SLC12A1 (solute carrier family 12 member 1; plus strand). Cytogenetic location: 15q21.1.
Variant type: single nucleotide variant.
Coding change: c.3283T>G on transcript NM_000338.3 (MANE Select); coding-DNA position 3283, T replaced by G.
Protein change: p.Leu1095Val; replaces leucine 1095 with valine.
Molecular consequence: missense variant.
Genome position (GRCh38, 1-based): chr15:48,302,868, T>G. VCF-style: chr15-48302868-T-G. GRCh37 (hg19) VCF-style: chr15-48595065-T-G.
Other names: c.3283T>G, p.Leu1095Val (NM_001184832.2, NM_001384136.1); short protein forms L1095V.
Identifiers: ClinVar variation 2054160 (VCV002054160.4), dbSNP rs778408731, ClinGen allele CA392322351.
Genomic context (GRCh38, chr15:48,302,868, plus strand): 5'-GAAATCCTCACAAAGAACCTCCCACCTGTCTTACTAGTTAGAGGAAATCACAAAAATGTC[T>G]TGACATTTTACTCTTAAAACATGAAAGATTGGAATACATTTTAACTTAATGTAATGCATA-3'
Protein context (NP_000329.2, residues 1085-1099): LLVRGNHKNV[Leu1095Val]TFYS

ClinVar aggregate classification (germline): Uncertain significance (1 of 4 stars; one submission).

Allele frequency attached by ClinVar (database versions not stated): gnomAD 0.00001.
gnomAD v4.1: 1 of 1,609,788 alleles (0.000062%); highest among the groups gnomAD compares: Admixed American, 0.0017%; no homozygotes.

Submission:

Labcorp Genetics (formerly Invitae), Labcorp
Classification: Uncertain significance. Last evaluated: 2022-07-26. Review status: criteria provided, single submitter. Criteria: Invitae Variant Classification Sherloc (09022015). Collection method: clinical testing. Allele origin: germline.
Comment: In summary, the available evidence is currently insufficient to determine the role of this variant in disease. Therefore, it has been classified as a Variant of Uncertain Significance. Algorithms developed to predict the effect of missense changes on protein structure and function are either unavailable or do not agree on the potential impact of this missense change (SIFT: "Tolerated"; PolyPhen-2: "Probably Damaging"; Align-GVGD: "Class C0"). This variant has not been reported in the literature in individuals affected with SLC12A1-related conditions. This variant is not present in population databases (gnomAD no frequency). This sequence change replaces leucine, which is neutral and non-polar, with valine, which is neutral and non-polar, at codon 1095 of the SLC12A1 protein (p.Leu1095Val).